The following is an entry in ClinVar:

ClinVar aggregate classification (germline): Benign. Review status: criteria provided, multiple submitters, no conflicts (2 of 4 stars). 5 submissions from 5 submitters: Benign (4). 1 of the submissions does not count toward it. Last evaluated 2026-09-16.

Conditions:
SH2B3-related disorder. Also called: SH2B3-related condition.
Myeloproliferative neoplasm. Identifiers: Orphanet 98274, MedGen C1292778, MONDO:0020076.

Allele frequency attached by ClinVar (database versions not stated): gnomAD exomes 0.00894 and 0.00936; ExAC 0.02054; ESP Exome Variant Server 0.05000; 1000 Genomes Project 0.11502; TOPMed 0.11644; 1000 Genomes Project 30x 0.12196.
gnomAD v4.1: 28,321 of 1,489,174 alleles (1.9%); highest among the groups gnomAD compares: African/African-American, 36%; 4,489 homozygotes.

Submissions (5):

Dept of Medical Biology, Uskudar University
Classification: Benign for Myeloproliferative neoplasm. Last evaluated: 2026-09-16. Review status: criteria provided, single submitter. Criteria: Dept of Medical Biology Variant Classification. Collection method: research. Allele origin: germline. Affected: yes. Observed: 2 variant alleles.
Comment: BA1: allele frequency about 3.5e-01 in the African population and 1.0e-01 overall in gnomAD v4.1. BP4: computational evidence suggests no impact. BP6: classified as benign in ClinVar (VCV001250441). Observed in cis with NM_005475.3:c.494C>G in two patients. Classified as benign under the ACMG/AMP 2015 guidelines (PMID:25741868). Detected in a retrospective series of 256 BCR::ABL1-negative and JAK2 V617F-negative patients referred for molecular investigation of a suspected myeloproliferative neoplasm (May 2007 to January 2015) and re-interpreted under the ACMG/AMP 2015 criteria.

ARUP Laboratories, Molecular Genetics and Genomics, ARUP Laboratories
Classification: Benign. Last evaluated: 2025-05-02. Review status: criteria provided, single submitter. Criteria: ARUP Molecular Germline Variant Investigation Process 2024. Collection method: clinical testing. Allele origin: germline.

GeneDx
Classification: Benign. Last evaluated: 2019-01-10. Review status: criteria provided, single submitter. Criteria: GeneDx Variant Classification Process June 2021. Collection method: clinical testing. Allele origin: germline. Affected: yes.

Breakthrough Genomics
Classification: Benign. Review status: criteria provided, single submitter. Criteria: ACMG Guidelines, 2015. Collection method: not provided. Allele origin: germline. Inheritance: Autosomal dominant inheritance. Affected: yes.

PreventionGenetics, part of Exact Sciences
Classification: Benign for SH2B3-related condition. Last evaluated: 2019-11-07. Review status: no assertion criteria provided. Collection method: clinical testing. Allele origin: germline. Not counted in ClinVar's aggregate classification.
Comment: This variant is classified as benign based on ACMG/AMP sequence variant interpretation guidelines (Richards et al. 2015 PMID: 25741868, with internal and published modifications).

NM_005475.3(SH2B3):c.544T>C (p.Phe182Leu)

Gene: SH2B3 (SH2B adaptor protein 3; plus strand). Cytogenetic location: 12q24.12.
Variant type: single nucleotide variant.
Coding change: c.544T>C on transcript NM_005475.3 (MANE Select); coding-DNA position 544, T replaced by C.
Protein change: p.Phe182Leu; replaces phenylalanine 182 with leucine.
Molecular consequence: missense variant.
Genome position (GRCh38, 1-based): chr12:111,418,689, T>C. VCF-style: chr12-111418689-T-C. GRCh37 (hg19) VCF-style: chr12-111856493-T-C.
Other names: short protein forms F182L.
Identifiers: ClinVar variation 1250441 (VCV001250441.9), dbSNP rs7972796, ClinGen allele CA6789687.
Genomic context (GRCh38, chr12:111,418,689, plus strand): 5'-GCCCCCGGGACCCCCGGAGAGGCTGCTGAGACCCCCGCCCGGCCTGGCCTGGCCAAGAAG[T>C]TCCTGCCCTGGAGCCTGGCCCGGGAGCCGCCACCCGAGGCGCTGAAGGAGGCGGTGCTGC-3'
Protein context (NP_005466.1, residues 172-192): TPARPGLAKK[Phe182Leu]LPWSLAREPP